The following is an entry in ClinVar:

NM_002890.3(RASA1):c.613_617del (p.Leu205fs)

Genes: CCNH (cyclin H; minus strand), RASA1 (RAS p21 protein activator 1; plus strand). Cytogenetic location: 5q14.3.
Variant type: Deletion.
Coding change: c.613_617del on transcript NM_002890.3 (MANE Select); coding-DNA positions 613 to 617, 5 bases deleted (CTTAT; older notation c.613_617delCTTAT).
Protein change: p.Leu205fs; shifts the reading frame from leucine 205.
Molecular consequence: frameshift variant. On other transcripts: intron variant (1).
Genome position (GRCh38, 1-based): chr5:87,331,421-87,331,425, CTTAT deleted; deleting any 5 consecutive bases within chr5:87,331,417-87,331,425 gives the same sequence; the c. name uses the placement nearest the transcript's 3' end. VCF-style (leftmost placement, unchanged base first): chr5-87331416-GTTATC-G. GRCh37 (hg19) VCF-style: chr5-86627233-GTTATC-G.
Other names: c.82_86del, p.Leu28fs (NM_022650.3); c.934-18626_934-18622del (NM_001364075.2); c.613_617del5 (NM_002890.2); c.613_617del (NM_002890.2); short protein forms L205fs, L28fs.
Identifiers: ClinVar variation 411714 (VCV000411714.14), dbSNP rs1060503441, ClinGen allele CA16611862.

ClinVar aggregate classification (germline): Pathogenic. Review status: criteria provided, multiple submitters, no conflicts (2 of 4 stars). 5 submissions from 5 submitters: Pathogenic (5). Last evaluated 2024-12-12.

Conditions:
Basal cell carcinoma, susceptibility to, 1. Also called: BCC1. Identifiers: MedGen C2751544, MONDO:0011556, OMIM 605462.
Capillary malformation-arteriovenous malformation 1 (CMAVM1). Identifiers: Orphanet 137667, Orphanet 693907, MedGen C4747394, MONDO:0020783, OMIM 608354.
RASA1-related disorder. Also called: RASA1-related condition.
Capillary malformation-arteriovenous malformation syndrome. Also called: Capillary malformation-arteriovenous malformation. Identifiers: Orphanet 137667, MedGen C1842180, MONDO:0012016.

Submissions (5):

PreventionGenetics, part of Exact Sciences
Classification: Pathogenic for RASA1-related condition. Last evaluated: 2024-12-12. Review status: criteria provided, single submitter. Criteria: ACMG Guidelines, 2015. Collection method: clinical testing. Allele origin: germline.
Comment: The RASA1 c.613_617del5 variant is predicted to result in a frameshift and premature protein termination (p.Leu205Lysfs*4). This variant was reported in individuals with Capillary malformation-arteriovenous malformation, including 4 members of the same family (Family 1, Revencu et al. 2008. PubMed ID: 18446851; Wooderchak-Donahue et al. 2018. PubMed ID: 29891884). This variant has not been reported in a large population database (gnomAD), indicating this variant is rare. Frameshift variants in RASA1 are expected to be pathogenic. This variant is interpreted as pathogenic.

Clinical Genetics Laboratory, Skane University Hospital Lund
Classification: Pathogenic. Last evaluated: 2022-05-27. Review status: criteria provided, single submitter. Criteria: ACMG Guidelines, 2015. Collection method: clinical testing. Allele origin: germline. Affected: yes.

Labcorp Genetics (formerly Invitae), Labcorp
Classification: Pathogenic for Capillary malformation-arteriovenous malformation syndrome. Last evaluated: 2022-01-05. Review status: criteria provided, single submitter. Criteria: Invitae Variant Classification Sherloc (09022015). Collection method: clinical testing. Allele origin: germline.
Comment: ClinVar contains an entry for this variant (Variation ID: 411714). For these reasons, this variant has been classified as Pathogenic. This premature translational stop signal has been observed in individual(s) with capillary malformations (PMID: 18446851). This variant is not present in population databases (gnomAD no frequency). This sequence change creates a premature translational stop signal (p.Leu205Lysfs*4) in the RASA1 gene. It is expected to result in an absent or disrupted protein product. Loss-of-function variants in RASA1 are known to be pathogenic (PMID: 24038909).

Fulgent Genetics
Classification: Pathogenic for Basal cell carcinoma, susceptibility to, 1; Capillary malformation-arteriovenous malformation 1. Last evaluated: 2021-07-19. Review status: criteria provided, single submitter. Criteria: ACMG Guidelines, 2015. Collection method: clinical testing. Allele origin: unknown.

Victorian Clinical Genetics Services, Murdoch Childrens Research Institute
Classification: Pathogenic for Capillary malformation-arteriovenous malformation 1. Last evaluated: 2020-05-26. Review status: criteria provided, single submitter. Criteria: ACMG Guidelines, 2015. Collection method: clinical testing. Allele origin: germline. Inheritance: Autosomal dominant inheritance. Affected: yes.
Comment: Based on the classification scheme VCGS_Germline_v1.1.1, this variant is classified as Pathogenic. Following criteria are met: 0102 - Loss-of-function is a known mechanism of disease for this gene. (N) 0107 - This gene is known to be associated with autosomal dominant disease. A second somatic variant is also required for the development of capillary lesions (PMID: 24038909; 29891884). (N) 0201 - Variant is predicted to cause nonsense-mediated decay (NMD) and loss of protein (exon 2 of 25). (P) 0251 - Variant is heterozygous. (N) 0301 - Variant is absent from gnomAD. (P) 0701 - Comparable variants have very strong previous evidence for pathogenicity. Other variants predicted to cause NMD have been reported as pathogenic in ClinVar. (P) 0802 - Moderate previous evidence of pathogenicity in unrelated individuals. The variant has been previously reported in patients with capillary malformations and has been shown to segregate with disease (ClinVar, PMID: 18446851, 24038909, 29891884). (P) 1208 - Inheritance information for this variant is not currently available. (N) Legend: (P) - Pathogenic, (N) - Neutral, (B) - Benign

Literature cited by the submitters: PubMed 18446851 (cited by Labcorp Genetics (formerly Invitae), Labcorp and Victorian Clinical Genetics Services, Murdoch Childrens Research Institute); PubMed 24038909 (cited by Labcorp Genetics (formerly Invitae), Labcorp and Victorian Clinical Genetics Services, Murdoch Childrens Research Institute); PubMed 29891884 (cited by Victorian Clinical Genetics Services, Murdoch Childrens Research Institute).